The following is an entry in ClinVar:

NM_015072.5(TTLL5):c.3437A>G (p.Tyr1146Cys)

Gene: TTLL5 (tubulin tyrosine ligase like 5; plus strand). Cytogenetic location: 14q24.3.
Variant type: single nucleotide variant.
Coding change: c.3437A>G on transcript NM_015072.5 (MANE Select); coding-DNA position 3437, A replaced by G.
Protein change: p.Tyr1146Cys; replaces tyrosine 1146 with cysteine.
Molecular consequence: missense variant.
Genome position (GRCh38, 1-based): chr14:75,863,777, A>G. VCF-style: chr14-75863777-A-G. GRCh37 (hg19) VCF-style: chr14-76330120-A-G.
Other names: short protein forms Y1146C.
Identifiers: ClinVar variation 960193 (VCV000960193.9), dbSNP rs146889412, ClinGen allele CA7280012.

ClinVar aggregate classification (germline): Uncertain significance. Review status: criteria provided, multiple submitters, no conflicts (2 of 4 stars). 2 submissions from 2 submitters: Uncertain significance (2). Last evaluated 2024-10-25.

Allele frequency attached by ClinVar (database versions not stated): gnomAD exomes 0.00004 and 0.00010; TOPMed 0.00006; ExAC 0.00007; gnomAD 0.00009; ESP Exome Variant Server 0.00023.
gnomAD v4.1: 83 of 1,613,880 alleles (0.0051%); highest among the groups gnomAD compares: Admixed American, 0.0017%; no homozygotes.

Submissions (2):

Blueprint Genetics
Classification: Uncertain significance. Last evaluated: 2024-10-25. Review status: criteria provided, single submitter. Criteria: ACMG Guidelines, 2015. Collection method: clinical testing. Allele origin: germline.

Labcorp Genetics (formerly Invitae), Labcorp
Classification: Uncertain significance. Last evaluated: 2024-01-24. Review status: criteria provided, single submitter. Criteria: Invitae Variant Classification Sherloc (09022015). Collection method: clinical testing. Allele origin: germline.
Comment: This sequence change replaces tyrosine, which is neutral and polar, with cysteine, which is neutral and slightly polar, at codon 1146 of the TTLL5 protein (p.Tyr1146Cys). This variant is present in population databases (rs146889412, gnomAD 0.2%). This variant has not been reported in the literature in individuals affected with TTLL5-related conditions. ClinVar contains an entry for this variant (Variation ID: 960193). Advanced modeling of protein sequence and biophysical properties (such as structural, functional, and spatial information, amino acid conservation, physicochemical variation, residue mobility, and thermodynamic stability) performed at Invitae indicates that this missense variant is not expected to disrupt TTLL5 protein function with a negative predictive value of 80%. In summary, the available evidence is currently insufficient to determine the role of this variant in disease. Therefore, it has been classified as a Variant of Uncertain Significance.